The following is an entry in ClinVar:

NM_004415.4(DSP):c.3805C>G (p.Arg1269Gly)

Gene: DSP (desmoplakin; plus strand). Cytogenetic location: 6p24.3.
Variant type: single nucleotide variant.
Coding change: c.3805C>G on transcript NM_004415.4 (MANE Select); coding-DNA position 3805, C replaced by G.
Protein change: p.Arg1269Gly; replaces arginine 1269 with glycine.
Molecular consequence: missense variant. On other transcripts: intron variant (1).
Genome position (GRCh38, 1-based): chr6:7,579,995, C>G. VCF-style: chr6-7579995-C-G. GRCh37 (hg19) VCF-style: chr6-7580228-C-G.
Other names: c.3805C>G, p.Arg1269Gly (NM_001319034.2); c.3582+223C>G (NM_001008844.3); short protein forms R1269G.
Identifiers: ClinVar variation 2775300 (VCV002775300.3), dbSNP rs767643821, ClinGen allele CA362684892.

ClinVar aggregate classification (germline): Uncertain significance. Review status: criteria provided, multiple submitters, no conflicts (2 of 4 stars). 2 submissions from 2 submitters: Uncertain significance (2). Last evaluated 2023-04-27.

Conditions:
Cardiomyopathy (CMYO). Also called: Cardiomyopathies. Identifiers: Orphanet 167848, MedGen C0878544, MONDO:0004994, HP:0001638. Inheritance: Various modes of inheritance.
Arrhythmogenic cardiomyopathy with wooly hair and keratoderma. Also called: PALMOPLANTAR KERATODERMA WITH LEFT VENTRICULAR CARDIOMYOPATHY AND WOOLLY HAIR; Dilated cardiomyopathy with woolly hair and keratoderma; Arrhythmogenic cardiomyopathy with woolly hair and keratoderma; Carvajal syndrome. Identifiers: Orphanet 65282, MedGen C1854063, MONDO:0011581, OMIM 605676.

gnomAD v4.1: 1 of 1,614,058 alleles (0.000062%); highest among the groups gnomAD compares: Non-Finnish European, 0.000085%; no homozygotes.

Submissions (2):

All of Us Research Program, National Institutes of Health
Classification: Uncertain significance for Arrhythmogenic cardiomyopathy with wooly hair and keratoderma. Last evaluated: 2023-04-27. Review status: criteria provided, single submitter. Criteria: ACMG Guidelines, 2015. Collection method: clinical testing. Allele origin: germline. Inheritance: Autosomal dominant inheritance. Observed: 1 variant allele, 1 heterozygote.
Comment: This study involves interpretation of variants in research participants for the purpose of population health screening. Participant phenotype was not available at the time of variant classification. Additional details can be found in publication PMID: 35346344, PMCID: PMC8962531

Color Diagnostics, LLC DBA Color Health
Classification: Uncertain significance for Cardiomyopathy. Last evaluated: 2021-06-28. Review status: criteria provided, single submitter. Criteria: ACMG Guidelines, 2015. Collection method: clinical testing. Allele origin: germline.
Comment: This missense variant replaces arginine with glycine at codon 1269 of the DSP protein. Computational prediction suggests that this variant may not impact protein structure and function (internally defined REVEL score threshold <= 0.5, PMID: 27666373). To our knowledge, functional studies have not been reported for this variant. This variant has not been reported in individuals affected with cardiovascular disorders in the literature. This variant has been identified in 1/250796 chromosomes in the general population by the Genome Aggregation Database (gnomAD). The available evidence is insufficient to determine the role of this variant in disease conclusively. Therefore, this variant is classified as a Variant of Uncertain Significance.